The following is an entry in ClinVar:

ClinVar aggregate classification (germline): Uncertain significance (1 of 4 stars; one submission).

Conditions:
Dilated cardiomyopathy 1G (CMD1G). Identifiers: Orphanet 154, MedGen C1858763, MONDO:0011400, OMIM 604145.
Autosomal recessive limb-girdle muscular dystrophy type 2J (LGMDR10). Also called: Limb-girdle muscular dystrophy, type 2J; MUSCULAR DYSTROPHY, LIMB-GIRDLE, AUTOSOMAL RECESSIVE 10. Identifiers: Orphanet 140922, MedGen C1837342, MONDO:0012127, OMIM 608807.

Submission:

Labcorp Genetics (formerly Invitae), Labcorp
Classification: Uncertain significance for Dilated cardiomyopathy 1G; Autosomal recessive limb-girdle muscular dystrophy type 2J. Last evaluated: 2023-03-24. Review status: criteria provided, single submitter. Criteria: Invitae Variant Classification Sherloc (09022015). Collection method: clinical testing. Allele origin: germline.
Comment: This variant is not present in population databases (gnomAD no frequency). This sequence change replaces leucine, which is neutral and non-polar, with valine, which is neutral and non-polar, at codon 35056 of the TTN protein (p.Leu35056Val). This variant has not been reported in the literature in individuals affected with TTN-related conditions. Experimental studies and prediction algorithms are not available or were not evaluated, and the functional significance of this variant is currently unknown. In summary, the available evidence is currently insufficient to determine the role of this variant in disease. Therefore, it has been classified as a Variant of Uncertain Significance. This variant is located in the M band of TTN (PMID: 25589632). Variants in this region may be relevant for neuromuscular disorders, but have not been definitively shown to cause cardiomyopathy (PMID: 23975875).

Literature cited by the submitters: PubMed 25589632; PubMed 23975875.

NM_001267550.2(TTN):c.105166C>G (p.Leu35056Val)

Genes: TTN (titin; minus strand), TTN-AS1 (TTN antisense RNA 1; plus strand), LOC129935185 (ATAC-STARR-seq lymphoblastoid active region 16810; plus strand). Cytogenetic location: 2q31.2.
Variant type: single nucleotide variant.
Coding change: c.105166C>G on transcript NM_001267550.2 (MANE Select); coding-DNA position 105166, C replaced by G.
Protein change: p.Leu35056Val; replaces leucine 35056 with valine.
Molecular consequence: missense variant.
Genome position (GRCh38, 1-based): chr2:178,531,449, G>C on the plus strand (C>G on the coding strand, the complement: TTN is on the minus strand). VCF-style: chr2-178531449-G-C. GRCh37 (hg19) VCF-style: chr2-179396176-G-C.
Other names: c.100243C>G, p.Leu33415Val (NM_001256850.1); c.77971C>G, p.Leu25991Val (NM_003319.4); c.97462C>G, p.Leu32488Val (NM_133378.4); c.78346C>G, p.Leu26116Val (NM_133432.3); c.78547C>G, p.Leu26183Val (NM_133437.4); short protein forms L26116V, L32488V, L33415V, L35056V, L25991V, L26183V.
Identifiers: ClinVar variation 2945525 (VCV002945525.3), dbSNP rs2468410102, ClinGen allele CA349409352.
Genomic context (GRCh38, chr2:178,531,449, plus strand): 5'-AAGCTTCCATCTCAGATGTTTTCTTAAATGATGAAACAGCATACGCCTCTGTTCTTGTCA[G>C]CTCAGGGAAAACAGATCTGGGGACCTCTTCATCTCTGCGTTGGGAAGCATAGGTGGTATA-3'
Protein context (NP_001254479.2, residues 35046-35066): EEVPRSVFPE[Leu35056Val]TRTEAYAVSS